The following is an entry in ClinVar:

ClinVar aggregate classification (germline): Uncertain significance. Review status: criteria provided, multiple submitters, no conflicts (2 of 4 stars). 2 submissions from 2 submitters: Uncertain significance (2). Last evaluated 2025-10-25.

Conditions:
Familial thoracic aortic aneurysm and aortic dissection (TAAD). Also called: Thoracic aortic aneurysms and dissections. Identifiers: Orphanet 91387, MedGen C4707243, MONDO:0019625.

gnomAD v4.1: 1 of 1,613,302 alleles (0.000062%); highest among the groups gnomAD compares: East Asian, 0.0022%; no homozygotes.

Submissions (2):

Labcorp Genetics (formerly Invitae), Labcorp
Classification: Uncertain significance for Familial thoracic aortic aneurysm and aortic dissection. Last evaluated: 2025-10-25. Review status: criteria provided, single submitter. Criteria: Invitae Variant Classification Sherloc (09022015). Collection method: clinical testing. Allele origin: germline.
Comment: This sequence change replaces serine, which is neutral and polar, with phenylalanine, which is neutral and non-polar, at codon 78 of the SMAD3 protein (p.Ser78Phe). This variant is not present in population databases (gnomAD no frequency). This variant has not been reported in the literature in individuals affected with SMAD3-related conditions. ClinVar contains an entry for this variant (Variation ID: 3445833). Invitae Evidence Modeling of protein sequence and biophysical properties (such as structural, functional, and spatial information, amino acid conservation, physicochemical variation, residue mobility, and thermodynamic stability) has been performed for this missense variant. However, the output from this modeling did not meet the statistical confidence thresholds required to predict the impact of this variant on SMAD3 protein function. In summary, the available evidence is currently insufficient to determine the role of this variant in disease. Therefore, it has been classified as a Variant of Uncertain Significance.

Ambry Genetics
Classification: Uncertain significance for Familial thoracic aortic aneurysm and aortic dissection. Last evaluated: 2025-01-16. Review status: criteria provided, single submitter. Criteria: Ambry Variant Classification Scheme 2023. Collection method: clinical testing. Allele origin: germline.
Comment: The c.233C>T (p.S78F) alteration is located in exon 2 (coding exon 2) of the SMAD3 gene. This alteration results from a C to T substitution at nucleotide position 233, causing the serine (S) at amino acid position 78 to be replaced by a phenylalanine (F). This variant was not reported in population-based cohorts in the Genome Aggregation Database (gnomAD). This amino acid position is highly conserved in available vertebrate species. This missense alteration is located in a region that has a low rate of benign missense variation (Lek, 2016; Firth, 2009). This alteration is predicted to be deleterious by in silico analysis. Based on insufficient or conflicting evidence, the clinical significance of this alteration remains unclear.

NM_005902.4(SMAD3):c.233C>T (p.Ser78Phe)

Gene: SMAD3 (SMAD family member 3; plus strand). Cytogenetic location: 15q22.33.
Variant type: single nucleotide variant.
Coding change: c.233C>T on transcript NM_005902.4 (MANE Select); coding-DNA position 233, C replaced by T.
Protein change: p.Ser78Phe; replaces serine 78 with phenylalanine.
Molecular consequence: missense variant. On other transcripts: 5 prime UTR variant (3).
Genome position (GRCh38, 1-based): chr15:67,164,921, C>T. VCF-style: chr15-67164921-C-T. GRCh37 (hg19) VCF-style: chr15-67457259-C-T.
Other names: c.-83C>T (NM_001145102.2, NM_001407015.1, NM_001407016.1); c.101C>T, p.Ser34Phe (NM_001145103.2); c.233C>T, p.Ser78Phe (NM_001407011.1, NM_001407012.1, NM_001407013.1); c.86C>T, p.Ser29Phe (NM_001407014.1); short protein forms S78F, S29F, S34F.
Identifiers: ClinVar variation 3445833 (VCV003445833.3).